The following is an entry in ClinVar:

NM_000203.5(IDUA):c.299+10G>A

Genes: SLC26A1 (solute carrier family 26 member 1; minus strand), IDUA (alpha-L-iduronidase; plus strand). Cytogenetic location: 4p16.3.
Variant type: single nucleotide variant.
Coding change: c.299+10G>A on transcript NM_000203.5 (MANE Select); 10 bases into the intron after coding-DNA position 299, G replaced by A.
Molecular consequence: intron variant. On other transcripts: 3 prime UTR variant (2).
Genome position (GRCh38, 1-based): chr4:987,959, G>A. VCF-style: chr4-987959-G-A. GRCh37 (hg19) VCF-style: chr4-981747-G-A.
Other names: c.*874C>T (NM_022042.4, NM_213613.4); c.576+3169C>T (NM_134425.4).
Identifiers: ClinVar variation 526836 (VCV000526836.16), dbSNP rs775172497, ClinGen allele CA2801164.

ClinVar aggregate classification (germline): Likely benign. Review status: criteria provided, multiple submitters, no conflicts (2 of 4 stars). 4 submissions from 4 submitters: Likely benign (2). 2 of the submissions do not count toward it. Last evaluated 2025-08-06.

Conditions:
Mucopolysaccharidosis type 1. Also called: Mucopolysaccharidosis Type I; IDUA deficiency; MPS I. Identifiers: Orphanet 579, MedGen C0023786, MONDO:0001586.
IDUA-related disorder. Also called: IDUA-related condition.

Allele frequency attached by ClinVar (database versions not stated): ExAC below 0.00001; gnomAD 0.00001; TOPMed 0.00002.
gnomAD v4.1: 20 of 1,563,792 alleles (0.0013%); highest among the groups gnomAD compares: East Asian, 0.0048%; no homozygotes.

Submissions (4):

Labcorp Genetics (formerly Invitae), Labcorp
Classification: Likely benign for Mucopolysaccharidosis type 1. Last evaluated: 2025-08-06. Review status: criteria provided, single submitter. Criteria: Invitae Variant Classification Sherloc (09022015). Collection method: clinical testing. Allele origin: germline.

Blueprint Genetics
Classification: Likely benign. Last evaluated: 2019-12-13. Review status: criteria provided, single submitter. Criteria: ACMG Guidelines, 2015. Collection method: clinical testing. Allele origin: germline.

PreventionGenetics, part of Exact Sciences
Classification: Likely benign for IDUA-related condition. Last evaluated: 2022-08-19. Review status: no assertion criteria provided. Collection method: clinical testing. Allele origin: germline. Not counted in ClinVar's aggregate classification.
Comment: This variant is classified as likely benign based on ACMG/AMP sequence variant interpretation guidelines (Richards et al. 2015 PMID: 25741868, with internal and published modifications).

Natera, Inc.
Classification: Uncertain significance for Mucopolysaccharidosis type I. Last evaluated: 2020-01-17. Review status: no assertion criteria provided. Collection method: clinical testing. Allele origin: germline. Not counted in ClinVar's aggregate classification.